The following is an entry in ClinVar:

ClinVar aggregate classification (germline): Conflicting classifications of pathogenicity. Review status: criteria provided, conflicting classifications (1 of 4 stars). 5 submissions from 5 submitters: Uncertain significance (1); Benign (1); Likely benign (3). Last evaluated 2024-11-02.

Conditions:
Niemann-Pick disease, type B. Also called: Chronic Visceral ASMD (Niemann-Pick Disease Type B; NPD-B). Identifiers: Orphanet 77293, MedGen C0268243, MONDO:0011871, OMIM 607616. Disease mechanism: loss of function.
Niemann-Pick disease, type A. Also called: SPHINGOMYELIN LIPIDOSIS; SPHINGOMYELINASE DEFICIENCY; Infantile Neurovisceral ASMD (Niemann-Pick Disease Type A; NPD-A). Identifiers: Orphanet 77292, MedGen C0268242, MONDO:0009756, OMIM 257200. Disease mechanism: loss of function.

Submissions (5):

Labcorp Genetics (formerly Invitae), Labcorp
Classification: Uncertain significance for Niemann-Pick disease, type B; Niemann-Pick disease, type A. Last evaluated: 2024-11-02. Review status: criteria provided, single submitter. Criteria: Invitae Variant Classification Sherloc (09022015). Collection method: clinical testing. Allele origin: germline.
Comment: This variant, c.132_143del, results in the deletion of 4 amino acid(s) of the SMPD1 protein (p.Ala46_Leu49del), but otherwise preserves the integrity of the reading frame. This variant is not present in population databases (gnomAD no frequency). This variant has been observed in individuals with Niemann-Pick disease (PMID: 34554397). This variant is also known as c.108_119 del GCTGGCGCTGGC; p.Leu37_ Ala40del. Experimental studies and prediction algorithms are not available or were not evaluated, and the functional significance of this variant is currently unknown. In summary, the available evidence is currently insufficient to determine the role of this variant in disease. Therefore, it has been classified as a Variant of Uncertain Significance.

Blueprint Genetics
Classification: Likely benign. Last evaluated: 2024-06-28. Review status: criteria provided, single submitter. Criteria: ACMG Guidelines, 2015. Collection method: clinical testing. Allele origin: germline.

GeneDx
Classification: Likely benign. Last evaluated: 2020-04-21. Review status: criteria provided, single submitter. Criteria: GeneDx Variant Classification Process June 2021. Collection method: clinical testing. Allele origin: germline. Affected: yes.
Comment: This variant is associated with the following publications: (PMID: 7727545)

Institute for Genomic Medicine (IGM) Clinical Laboratory, Nationwide Children's Hospital
Classification: Benign. Last evaluated: 2017-03-20. Review status: criteria provided, single submitter. Criteria: ACMG Guidelines, 2015. Collection method: clinical testing. Allele origin: germline.
Comment: Normal variation in repetative sequence

PreventionGenetics, part of Exact Sciences
Classification: Likely benign. Review status: criteria provided, single submitter. Criteria: ACMG Guidelines, 2015. Collection method: clinical testing. Allele origin: germline.

Literature cited by the submitters: PubMed 34554397 (cited by Labcorp Genetics (formerly Invitae), Labcorp); PubMed 7727545 (cited by Institute for Genomic Medicine (IGM) Clinical Laboratory, Nationwide Children's Hospital).

NM_000543.5(SMPD1):c.108GCTGGC[4] (p.38AL[4])

Gene: SMPD1 (sphingomyelin phosphodiesterase 1; plus strand). Cytogenetic location: 11p15.4.
Variant type: Microsatellite.
Coding change: c.108GCTGGC[4] on transcript NM_000543.5 (MANE Select); four copies in a row of the 6-base unit GCTGGC starting at c.108; the reference has six copies in a row; two copies, 12 bases deleted.
Protein change: p.38AL[4].
Molecular consequence: inframe deletion. On other transcripts: 5 prime UTR variant (1), non-coding transcript variant (2).
Genome position (GRCh38, 1-based): chr11:6,390,730-6,390,741, GCTGGCGCTGGC deleted; deleting any 12 consecutive bases within chr11:6,390,706-6,390,741 gives the same sequence; the position shown is the placement nearest the transcript's 3' end. VCF-style (leftmost placement, unchanged base first): chr11-6390705-TGCTGGCGCTGGC-T. GRCh37 (hg19) VCF-style: chr11-6411935-TGCTGGCGCTGGC-T.
Other names: c.108GCTGGC[4], p.38AL[4] (NM_001007593.3, NM_001318087.2, NM_001365135.2); c.-854GCTGGC[4] (NM_001318088.2).
Identifiers: ClinVar variation 256591 (VCV000256591.12), dbSNP rs3838786, ClinGen allele CA10587131.